The following is an entry in ClinVar:

ClinVar aggregate classification (germline): Pathogenic (1 of 4 stars; one submission).

Conditions:
Fanconi anemia (FA). Also called: Fanconi's anemia. Identifiers: Orphanet 84, MedGen C0015625, MeSH D005199, MONDO:0019391.

Submission:

Labcorp Genetics (formerly Invitae), Labcorp
Classification: Pathogenic for Fanconi anemia. Last evaluated: 2019-03-08. Review status: criteria provided, single submitter. Criteria: Invitae Variant Classification Sherloc (09022015). Collection method: clinical testing. Allele origin: germline.
Comment: For these reasons, this variant has been classified as Pathogenic. Loss-of-function variants in FANCM are known to be pathogenic (PMID: 29895858, 30075111). This variant has not been reported in the literature in individuals with FANCM-related conditions. ClinVar contains an entry for this variant (Variation ID: 574820). This variant is not present in population databases (ExAC no frequency). This sequence change creates a premature translational stop signal (p.Glu1832Serfs*19) in the FANCM gene. It is expected to result in an absent or disrupted protein product.

Literature cited by the submitters: PubMed 29895858; PubMed 30075111.

NM_020937.4(FANCM):c.5494_5495del (p.Glu1832fs)

Gene: FANCM (FA complementation group M; plus strand). Cytogenetic location: 14q21.2.
Variant type: Deletion.
Coding change: c.5494_5495del on transcript NM_020937.4 (MANE Select); coding-DNA positions 5494 to 5495, 2 bases deleted (GA; older notation c.5494_5495delGA).
Protein change: p.Glu1832fs; shifts the reading frame from glutamic acid 1832.
Molecular consequence: frameshift variant.
Genome position (GRCh38, 1-based): chr14:45,196,325-45,196,326, GA deleted; deleting any 2 consecutive bases within chr14:45,196,324-45,196,326 gives the same sequence; the c. name uses the placement nearest the transcript's 3' end. VCF-style (leftmost placement, unchanged base first): chr14-45196323-TAG-T. GRCh37 (hg19) VCF-style: chr14-45665526-TAG-T.
Other names: c.5494_5495del (LRG_502t1); c.5416_5417del, p.Glu1806fs (NM_001308133.2); short protein forms E1832fs, E1806fs.
Identifiers: ClinVar variation 574820 (VCV000574820.8), dbSNP rs1566790465, ClinGen allele CA891843835.